The following is an entry in ClinVar:

ClinVar aggregate classification (germline): Uncertain significance (1 of 4 stars; one submission).

Allele frequency attached by ClinVar (database versions not stated): gnomAD exomes 0.00001; TOPMed 0.00001.
gnomAD v4.1: 20 of 1,568,012 alleles (0.0013%); highest among the groups gnomAD compares: South Asian, 0.007%; no homozygotes.

Submission:

Labcorp Genetics (formerly Invitae), Labcorp
Classification: Uncertain significance. Last evaluated: 2025-02-24. Review status: criteria provided, single submitter. Criteria: Invitae Variant Classification Sherloc (09022015). Collection method: clinical testing. Allele origin: germline.
Comment: This sequence change falls in intron 22 of the TRAPPC9 gene. It does not directly change the encoded amino acid sequence of the TRAPPC9 protein. It affects a nucleotide within the consensus splice site. This variant is not present in population databases (gnomAD no frequency). This variant has not been reported in the literature in individuals affected with TRAPPC9-related conditions. ClinVar contains an entry for this variant (Variation ID: 1353551). Variants that disrupt the consensus splice site are a relatively common cause of aberrant splicing (PMID: 17576681, 9536098). Algorithms developed to predict the effect of sequence changes on RNA splicing suggest that this variant may disrupt the consensus splice site. In summary, the available evidence is currently insufficient to determine the role of this variant in disease. Therefore, it has been classified as a Variant of Uncertain Significance.

Literature cited by the submitters: PubMed 17576681; PubMed 9536098.

NM_001160372.4(TRAPPC9):c.3279+5G>A

Gene: TRAPPC9 (trafficking protein particle complex subunit 9; minus strand). Cytogenetic location: 8q24.3.
Variant type: single nucleotide variant.
Coding change: c.3279+5G>A on transcript NM_001160372.4 (MANE Select); 5 bases into the intron after coding-DNA position 3279, G replaced by A.
Molecular consequence: intron variant.
Genome position (GRCh38, 1-based): chr8:139,731,974, C>T on the plus strand (G>A on the coding strand, the complement: TRAPPC9 is on the minus strand). VCF-style: chr8-139731974-C-T. GRCh37 (hg19) VCF-style: chr8-140744217-C-T.
Other names: c.3279+5G>A (NM_031466.8); c.3252+5G>A (NM_001321646.2); c.3135+5G>A (NM_001374684.1); c.3168+5G>A (NM_001374683.1); c.3300+5G>A (NM_001374682.1).
Identifiers: ClinVar variation 1353551 (VCV001353551.7), dbSNP rs1438509728, ClinGen allele CA585731698.